The following is an entry in ClinVar:

ClinVar aggregate classification (germline): Uncertain significance (1 of 4 stars; one submission).

Allele frequency attached by ClinVar (database versions not stated): gnomAD exomes below 0.00001.
gnomAD v4.1: 5 of 1,614,096 alleles (0.00031%); highest among the groups gnomAD compares: African/African-American, 0.0027%; no homozygotes.

Submission:

GeneDx
Classification: Uncertain significance. Last evaluated: 2026-09-16. Review status: criteria provided, single submitter. Criteria: GeneDx Variant Classification Process June 2021. Collection method: clinical testing. Allele origin: germline.
Comment: Not observed at significant frequency in large population cohorts (gnomAD); In silico analysis supports that this missense variant has a deleterious effect on protein structure/function; Has not been previously published as pathogenic or benign to our knowledge

NM_000352.6(ABCC8):c.3505C>T (p.Pro1169Ser)

Gene: ABCC8 (ATP binding cassette subfamily C member 8; minus strand). Cytogenetic location: 11p15.1.
Variant type: single nucleotide variant.
Coding change: c.3505C>T on transcript NM_000352.6 (MANE Select); coding-DNA position 3505, C replaced by T.
Protein change: p.Pro1169Ser; replaces proline 1169 with serine.
Molecular consequence: missense variant. On other transcripts: non-coding transcript variant (1).
Genome position (GRCh38, 1-based): chr11:17,404,564, G>A on the plus strand (C>T on the coding strand, the complement: ABCC8 is on the minus strand). VCF-style: chr11-17404564-G-A. GRCh37 (hg19) VCF-style: chr11-17426111-G-A.
Other names: c.3508C>T, p.Pro1170Ser (NM_001287174.3); c.3571C>T, p.Pro1191Ser (NM_001351295.2); c.3505C>T, p.Pro1169Ser (NM_001351296.2); c.3502C>T, p.Pro1168Ser (NM_001351297.2); short protein forms P1168S, P1169S, P1170S, P1191S.
Identifiers: ClinVar variation 1804453 (VCV001804453.2), dbSNP rs1189368827, ClinGen allele CA379797885.
Genomic context (GRCh38, chr11:17,404,564, plus strand): 5'-GCCATCACCTGGACGCCACCCGGAAGTACTTCTGGATGAAGTAGCACACGATGGCCAGGG[G>A]CAAGAGGGCCACGAGGAACACAGGTGTGACATAGGAGATGACGGCCAGGGCTGAGACACA-3'
Protein context (NP_000343.2, residues 1159-1179): VTPVFLVALL[Pro1169Ser]LAIVCYFIQK